The following is an entry in ClinVar:

NM_001377.3(DYNC2H1):c.1122T>A (p.Asn374Lys)

Gene: DYNC2H1 (dynein cytoplasmic 2 heavy chain 1; plus strand). Cytogenetic location: 11q22.3.
Variant type: single nucleotide variant.
Coding change: c.1122T>A on transcript NM_001377.3 (MANE Select); coding-DNA position 1122, T replaced by A.
Protein change: p.Asn374Lys; replaces asparagine 374 with lysine.
Molecular consequence: missense variant.
Genome position (GRCh38, 1-based): chr11:103,120,569, T>A. VCF-style: chr11-103120569-T-A. GRCh37 (hg19) VCF-style: chr11-102991298-T-A.
Other names: c.1122T>A, p.Asn374Lys (NM_001080463.2); short protein forms N374K.
Identifiers: ClinVar variation 3365819 (VCV003365819.3).

ClinVar aggregate classification (germline): Uncertain significance. Review status: criteria provided, multiple submitters, no conflicts (2 of 4 stars). 2 submissions from 2 submitters: Uncertain significance (2). Last evaluated 2026-10-08.

Conditions:
Inborn genetic diseases. Identifiers: MedGen C0950123, MeSH D030342.

gnomAD v4.1: 21 of 1,611,712 alleles (0.0013%); highest among the groups gnomAD compares: South Asian, 0.022%; 1 homozygote.

Submissions (2):

GeneDx
Classification: Uncertain significance. Last evaluated: 2026-10-08. Review status: criteria provided, single submitter. Criteria: GeneDx Variant Classification Process June 2021. Collection method: clinical testing. Allele origin: germline.
Comment: In silico analysis supports that this missense variant has a deleterious effect on protein structure/function; Has not been previously published as pathogenic or benign to our knowledge

Ambry Genetics
Classification: Uncertain significance for Inborn genetic diseases. Last evaluated: 2025-08-11. Review status: criteria provided, single submitter. Criteria: Ambry Variant Classification Scheme 2023. Collection method: clinical testing. Allele origin: germline.